The following is an entry in ClinVar:

NM_014319.5(LEMD3):c.13G>C (p.Ala5Pro)

Gene: LEMD3 (LEM domain containing 3; plus strand). Cytogenetic location: 12q14.3.
Variant type: single nucleotide variant.
Coding change: c.13G>C on transcript NM_014319.5 (MANE Select); coding-DNA position 13, G replaced by C.
Protein change: p.Ala5Pro; replaces alanine 5 with proline.
Molecular consequence: missense variant.
Genome position (GRCh38, 1-based): chr12:65,169,609, G>C. VCF-style: chr12-65169609-G-C. GRCh37 (hg19) VCF-style: chr12-65563389-G-C.
Other names: c.13G>C, p.Ala5Pro (NM_001167614.2); c.13G>C (NM_014319.4); short protein forms A5P.
Identifiers: ClinVar variation 2417369 (VCV002417369.7), dbSNP rs766588987, ClinGen allele CA385670782.

ClinVar aggregate classification (germline): Uncertain significance. Review status: criteria provided, multiple submitters, no conflicts (2 of 4 stars). 2 submissions from 2 submitters: Uncertain significance (2). Last evaluated 2025-02-04.

Conditions:
Inborn genetic diseases. Identifiers: MedGen C0950123, MeSH D030342.

gnomAD v4.1: 19 of 1,587,642 alleles (0.0012%); highest among the groups gnomAD compares: Non-Finnish European, 0.0015%; no homozygotes.

Submissions (2):

Labcorp Genetics (formerly Invitae), Labcorp
Classification: Uncertain significance. Last evaluated: 2025-02-04. Review status: criteria provided, single submitter. Criteria: Invitae Variant Classification Sherloc (09022015). Collection method: clinical testing. Allele origin: germline.
Comment: This sequence change replaces alanine, which is neutral and non-polar, with proline, which is neutral and non-polar, at codon 5 of the LEMD3 protein (p.Ala5Pro). This variant is present in population databases (no rsID available, gnomAD 0.002%). This variant has not been reported in the literature in individuals affected with LEMD3-related conditions. ClinVar contains an entry for this variant (Variation ID: 2417369). An algorithm developed to predict the effect of missense changes on protein structure and function (PolyPhen-2) suggests that this variant is likely to be tolerated. In summary, the available evidence is currently insufficient to determine the role of this variant in disease. Therefore, it has been classified as a Variant of Uncertain Significance.

Ambry Genetics
Classification: Uncertain significance for Inborn genetic diseases. Last evaluated: 2024-12-03. Review status: criteria provided, single submitter. Criteria: Ambry Variant Classification Scheme 2023. Collection method: clinical testing. Allele origin: germline.